The following is an entry in ClinVar:

NM_000465.4(BARD1):c.1911dup (p.Ala638fs)

Gene: BARD1 (BRCA1 associated RING domain 1; minus strand). Cytogenetic location: 2q35.
Variant type: Duplication.
Coding change: c.1911dup on transcript NM_000465.4 (MANE Select); coding-DNA position 1911, one base duplicated (A; older notation c.1911dupA).
Protein change: p.Ala638fs; shifts the reading frame from alanine 638.
Molecular consequence: frameshift variant. On other transcripts: non-coding transcript variant (3).
Genome position (GRCh38, 1-based): chr2:214,730,501, T duplicated on the plus strand (A on the coding strand, the reverse complement: BARD1 is on the minus strand); the first of 4 consecutive T bases (chr2:214,730,501-214,730,504); duplicating any one gives the same sequence. VCF-style (leftmost placement, unchanged base first): chr2-214730500-C-CT. GRCh37 (hg19) VCF-style: chr2-215595224-C-CT.
Other names: c.1854dup, p.Ala619fs (NM_001282543.2); c.558dup, p.Ala187fs (NM_001282545.2); c.501dup, p.Ala168fs (NM_001282548.2); c.372dup, p.Ala125fs (NM_001282549.2); short protein forms A125fs, A168fs, A187fs, A619fs, A638fs.
Identifiers: ClinVar variation 2583733 (VCV002583733.2), dbSNP rs2469277857, ClinGen allele CA2582342061.
Genomic context (GRCh38, chr2:214,730,500, plus strand): 5'-GTGGACCTTCAGGAATTTCATACTTTTCTTCCTGTTCACATACTTTTCTTCGTAGACATG[C>CT]TTTTACCCCTGACAAAAACACAAGAATTAAAGCAAACTAAGTATCAAGTGAGCACTATAT-3'

ClinVar aggregate classification (germline): Pathogenic (1 of 4 stars; one submission).

Conditions:
Familial cancer of breast. Also called: Hereditary breast cancer; BREAST CANCER, FAMILIAL; hereditary breast carcinoma. Identifiers: Orphanet 227535, MedGen C0346153, MONDO:0016419, OMIM 114480. Disease mechanism: loss of function.

Submission:

Myriad Genetics, Inc.
Classification: Pathogenic for Familial cancer of breast. Last evaluated: 2023-05-24. Review status: criteria provided, single submitter. Criteria: Myriad Autosomal Dominant, Autosomal Recessive and X-Linked Classification Criteria (2023). Collection method: clinical testing. Allele origin: unknown.
Comment: This variant is considered pathogenic. This variant creates a frameshift predicted to result in premature protein truncation.